The following is an entry in ClinVar:

ClinVar aggregate classification (germline): Pathogenic (1 of 4 stars; one submission).

gnomAD v4.1: 2 of 1,614,138 alleles (0.00012%); highest among the groups gnomAD compares: Admixed American, 0.0017%; no homozygotes.

Submission:

Labcorp Genetics (formerly Invitae), Labcorp
Classification: Pathogenic. Last evaluated: 2024-01-05. Review status: criteria provided, single submitter. Criteria: Invitae Variant Classification Sherloc (09022015). Collection method: clinical testing. Allele origin: germline.
Comment: This sequence change creates a premature translational stop signal (p.Tyr299*) in the POLH gene. It is expected to result in an absent or disrupted protein product. Loss-of-function variants in POLH are known to be pathogenic (PMID: 11773631, 24130121, 25256075). This variant is present in population databases (rs190423114, gnomAD 0.003%). This premature translational stop signal has been observed in individual(s) with xeroderma pigmentosum (PMID: 23755135). For these reasons, this variant has been classified as Pathogenic.

Literature cited by the submitters: PubMed 11773631; PubMed 24130121; PubMed 25256075; PubMed 23755135.

NM_006502.3(POLH):c.897T>G (p.Tyr299Ter)

Gene: POLH (DNA polymerase eta; plus strand). Cytogenetic location: 6p21.1.
Variant type: single nucleotide variant.
Coding change: c.897T>G on transcript NM_006502.3 (MANE Select); coding-DNA position 897, T replaced by G.
Protein change: p.Tyr299Ter; replaces tyrosine 299 with a stop codon.
Molecular consequence: nonsense.
Genome position (GRCh38, 1-based): chr6:43,604,627, T>G. VCF-style: chr6-43604627-T-G. GRCh37 (hg19) VCF-style: chr6-43572364-T-G.
Other names: c.525T>G, p.Tyr175Ter (NM_001291969.2); c.897T>G, p.Tyr299Ter (NM_001291970.2); short protein forms Y299*, Y175*.
Identifiers: ClinVar variation 2734871 (VCV002734871.3), dbSNP rs190423114, ClinGen allele CA138299145.